The following is an entry in ClinVar:

ClinVar aggregate classification (germline): Uncertain significance. Review status: criteria provided, multiple submitters, no conflicts (2 of 4 stars). 2 submissions from 2 submitters: Uncertain significance (2). Last evaluated 2023-12-16.

Conditions:
Hereditary cancer-predisposing syndrome. Also called: Tumor predisposition; Hereditary neoplastic syndrome; Hereditary Cancer Syndrome; Neoplastic Syndromes, Hereditary. Identifiers: Orphanet 140162, MedGen C0027672, MeSH D009386, MONDO:0015356.

Allele frequency attached by ClinVar (database versions not stated): gnomAD 0.00001.

Submissions (2):

Ambry Genetics
Classification: Uncertain significance for Hereditary cancer-predisposing syndrome. Last evaluated: 2023-12-16. Review status: criteria provided, single submitter. Criteria: Ambry Variant Classification Scheme 2023. Collection method: clinical testing. Allele origin: germline.

Labcorp Genetics (formerly Invitae), Labcorp
Classification: Uncertain significance. Last evaluated: 2022-03-07. Review status: criteria provided, single submitter. Criteria: Invitae Variant Classification Sherloc (09022015). Collection method: clinical testing. Allele origin: germline.
Comment: This sequence change replaces glycine, which is neutral and non-polar, with glutamic acid, which is acidic and polar, at codon 22 of the HOXB13 protein (p.Gly22Glu). This variant is present in population databases (no rsID available, gnomAD 0.1%). This variant has not been reported in the literature in individuals affected with HOXB13-related conditions. Algorithms developed to predict the effect of missense changes on protein structure and function (SIFT, PolyPhen-2, Align-GVGD) all suggest that this variant is likely to be tolerated. In summary, the available evidence is currently insufficient to determine the role of this variant in disease. Therefore, it has been classified as a Variant of Uncertain Significance.

NM_006361.6(HOXB13):c.65G>A (p.Gly22Glu)

Gene: HOXB13 (homeobox B13; minus strand). Cytogenetic location: 17q21.32.
Variant type: single nucleotide variant.
Coding change: c.65G>A on transcript NM_006361.6 (MANE Select); coding-DNA position 65, G replaced by A.
Protein change: p.Gly22Glu; replaces glycine 22 with glutamic acid.
Molecular consequence: missense variant.
Genome position (GRCh38, 1-based): chr17:48,728,529, C>T on the plus strand (G>A on the coding strand, the complement: HOXB13 is on the minus strand). VCF-style: chr17-48728529-C-T. GRCh37 (hg19) VCF-style: chr17-46805891-C-T.
Other names: c.65G>A (NM_006361.5); short protein forms G22E.
Identifiers: ClinVar variation 1462901 (VCV001462901.7), dbSNP rs1451955949, ClinGen allele CA400109632.
Genomic context (GRCh38, chr17:48,728,529, plus strand): 5'-AGCGTAGGCGCCGCTGGGTGGCTGGTCAGAGGGGAGTGGGCGACCAGATTCCGCCCCCCT[C>T]CCGCTCCCAGCAAGCCTTCGATATCCTTGGCTCCATCCAAGGTGGCATAATTGCCGGGCT-3'
Protein context (NP_006352.2, residues 12-32): AKDIEGLLGA[Gly22Glu]GGRNLVAHSP